The following is an entry in ClinVar:

NM_007194.4(CHEK2):c.645A>G (p.Ala215=)

Gene: CHEK2 (checkpoint kinase 2; minus strand). Cytogenetic location: 22q12.1.
Variant type: single nucleotide variant.
Coding change: c.645A>G on transcript NM_007194.4 (MANE Select); coding-DNA position 645, A replaced by G.
Protein change: p.Ala215=; no amino-acid change (alanine 215 retained).
Molecular consequence: synonymous variant. On other transcripts: 5 prime UTR variant (2), intron variant (1).
Genome position (GRCh38, 1-based): chr22:28,719,433, T>C on the plus strand (A>G on the coding strand, the complement: CHEK2 is on the minus strand). VCF-style: chr22-28719433-T-C. GRCh37 (hg19) VCF-style: chr22-29115421-T-C.
Other names: c.774A>G, p.Ala258= (NM_001005735.3, NM_001438294.1); c.-19A>G (NM_001257387.3, NM_001437942.1); c.738A>G, p.Ala246= (NM_001438293.1, NM_001438295.1); c.645A>G, p.Ala215= (NM_145862.3); c.482+5453A>G (NM_001349956.3).
Identifiers: ClinVar variation 415917 (VCV000415917.16), dbSNP rs761630560, ClinGen allele CA10167926.

ClinVar aggregate classification (germline): Benign/Likely benign. Review status: criteria provided, multiple submitters, no conflicts (2 of 4 stars). 4 submissions from 4 submitters: Benign (1); Likely benign (3). Last evaluated 2026-06-03.

Conditions:
Hereditary cancer-predisposing syndrome. Also called: Hereditary Cancer Syndrome; Tumor predisposition; Hereditary neoplastic syndrome; Neoplastic Syndromes, Hereditary. Identifiers: Orphanet 140162, MedGen C0027672, MeSH D009386, MONDO:0015356.
Familial cancer of breast. Also called: Hereditary breast cancer; BREAST CANCER, FAMILIAL; hereditary breast carcinoma. Identifiers: Orphanet 227535, MedGen C0346153, MONDO:0016419, OMIM 114480. Disease mechanism: loss of function.

Allele frequency attached by ClinVar (database versions not stated): gnomAD 0.00001; ExAC 0.00002; gnomAD exomes below 0.00001; TOPMed below 0.00001.
gnomAD v4.1: 2 of 1,597,376 alleles (0.00013%); highest among the groups gnomAD compares: Admixed American, 0.0017%; no homozygotes.

Submissions (4):

Ambry Genetics
Classification: Likely benign for Hereditary cancer-predisposing syndrome. Last evaluated: 2026-06-03. Review status: criteria provided, single submitter. Criteria: Ambry Variant Classification Scheme 2023. Collection method: clinical testing. Allele origin: germline.

Myriad Genetics, Inc.
Classification: Benign for Familial cancer of breast. Last evaluated: 2024-10-03. Review status: criteria provided, single submitter. Criteria: Myriad Autosomal Dominant, Autosomal Recessive and X-Linked Classification Criteria (2023). Collection method: clinical testing. Allele origin: unknown.
Comment: This variant is considered benign. This variant is a silent/synonymous amino acid change and it is not expected to impact splicing.

Labcorp Genetics (formerly Invitae), Labcorp
Classification: Likely benign for Familial cancer of breast. Last evaluated: 2021-03-07. Review status: criteria provided, single submitter. Criteria: Invitae Variant Classification Sherloc (09022015). Collection method: clinical testing. Allele origin: germline.

Color Diagnostics, LLC DBA Color Health
Classification: Likely benign for Hereditary cancer-predisposing syndrome. Last evaluated: 2018-01-25. Review status: criteria provided, single submitter. Criteria: ACMG Guidelines, 2015. Collection method: clinical testing. Allele origin: germline.